The following is an entry in ClinVar:

NM_152281.3(GORAB):c.950G>A (p.Ser317Asn)

Gene: GORAB (golgin, RAB6 interacting; plus strand). Cytogenetic location: 1q24.2.
Variant type: single nucleotide variant.
Coding change: c.950G>A on transcript NM_152281.3 (MANE Select); coding-DNA position 950, G replaced by A.
Protein change: p.Ser317Asn; replaces serine 317 with asparagine.
Molecular consequence: missense variant. On other transcripts: non-coding transcript variant (1).
Genome position (GRCh38, 1-based): chr1:170,552,302, G>A. VCF-style: chr1-170552302-G-A. GRCh37 (hg19) VCF-style: chr1-170521443-G-A.
Other names: c.485G>A, p.Ser162Asn (NM_001320252.2); short protein forms S162N, S317N.
Identifiers: ClinVar variation 1473298 (VCV001473298.6), dbSNP rs777465568, ClinGen allele CA343165216.

ClinVar aggregate classification (germline): Uncertain significance (1 of 4 stars; one submission).

gnomAD v4.1: 1 of 1,614,152 alleles (0.000062%); highest among the groups gnomAD compares: Admixed American, 0.0017%; no homozygotes.

Submission:

Labcorp Genetics (formerly Invitae), Labcorp
Classification: Uncertain significance. Last evaluated: 2024-07-15. Review status: criteria provided, single submitter. Criteria: Invitae Variant Classification Sherloc (09022015). Collection method: clinical testing. Allele origin: germline.
Comment: This sequence change replaces serine, which is neutral and polar, with asparagine, which is neutral and polar, at codon 342 of the GORAB protein (p.Ser342Asn). This variant is not present in population databases (gnomAD no frequency). This variant has not been reported in the literature in individuals affected with GORAB-related conditions. ClinVar contains an entry for this variant (Variation ID: 1473298). An algorithm developed to predict the effect of missense changes on protein structure and function outputs the following: PolyPhen-2: "Benign". The asparagine amino acid residue is found in multiple mammalian species, which suggests that this missense change does not adversely affect protein function. In summary, the available evidence is currently insufficient to determine the role of this variant in disease. Therefore, it has been classified as a Variant of Uncertain Significance.